The following is an entry in ClinVar:

ClinVar aggregate classification (germline): Benign. Review status: criteria provided, multiple submitters, no conflicts (2 of 4 stars). 5 submissions from 2 submitters: Benign (5). Last evaluated 2018-01-12.

Conditions:
Multiple endocrine neoplasia. Identifiers: Orphanet 276161, MedGen C0027662, MONDO:0017169.
Renal hypodysplasia/aplasia 1 (RHDA1). Also called: RENAL APLASIA; HEREDITARY RENAL APLASIA. Identifiers: Orphanet 411709, MedGen C1619700, MONDO:0024519, OMIM 191830.
Hirschsprung disease, susceptibility to, 1 (HSCR1). Also called: RET-Related Hirschsprung Disease. Identifiers: Orphanet 388, MedGen C3888239, MONDO:0007723, OMIM 142623.
Pheochromocytoma. Also called: MAX-Related Hereditary Paraganglioma-Pheochromocytoma Syndrome. Identifiers: Orphanet 29072, MedGen C0031511, MONDO:0008233, OMIM 171300, HP:0002666.

Allele frequency attached by ClinVar (database versions not stated): gnomAD 0.17032 and 0.17300; 1000 Genomes Project 0.17053; 1000 Genomes Project 30x 0.17146; TOPMed 0.17327; gnomAD exomes 0.18781.
gnomAD v4.1: 69,629 of 382,804 alleles (18%); highest among the groups gnomAD compares: Admixed American, 27%; 7,103 homozygotes.

Submissions (5):

Illumina Laboratory Services, Illumina
Classification: Benign for Hirschsprung disease, susceptibility to, 1. Last evaluated: 2018-01-12. Review status: criteria provided, single submitter. Criteria: ICSL Variant Classification Criteria 13 December 2019. Collection method: clinical testing. Allele origin: germline.
Comment: This variant was observed in the ICSL laboratory as part of a predisposition screen in an ostensibly healthy population. It had not been previously curated by ICSL or reported in the Human Gene Mutation Database (HGMD: prior to June 1st, 2018), and was therefore a candidate for classification through an automated scoring system. Utilizing variant allele frequency, disease prevalence and penetrance estimates, and inheritance mode, an automated score was calculated to assess if this variant is too frequent to cause the disease. Based on the score and internal cut-off values, a variant classified as benign is not then subjected to further curation. The score for this variant resulted in a classification of benign for this disease.

Illumina Laboratory Services, Illumina
Classification: Benign for Pheochromocytoma. Last evaluated: 2018-01-12. Review status: criteria provided, single submitter. Criteria: ICSL Variant Classification Criteria 13 December 2019. Collection method: clinical testing. Allele origin: germline.
Comment: the same text as in the submission from Illumina Laboratory Services, Illumina above.

Illumina Laboratory Services, Illumina
Classification: Benign for Renal hypodysplasia/aplasia 1. Last evaluated: 2018-01-12. Review status: criteria provided, single submitter. Criteria: ICSL Variant Classification Criteria 13 December 2019. Collection method: clinical testing. Allele origin: germline.
Comment: the same text as in the submission from Illumina Laboratory Services, Illumina above.

Illumina Laboratory Services, Illumina
Classification: Benign for Multiple endocrine neoplasia. Last evaluated: 2018-01-12. Review status: criteria provided, single submitter. Criteria: ICSL Variant Classification Criteria 13 December 2019. Collection method: clinical testing. Allele origin: germline.
Comment: the same text as in the submission from Illumina Laboratory Services, Illumina above.

Breakthrough Genomics
Classification: Benign. Review status: criteria provided, single submitter. Criteria: ACMG Guidelines, 2015. Collection method: not provided. Allele origin: germline. Inheritance: Autosomal dominant inheritance. Affected: yes.

NM_020975.6(RET):c.*388G>A

Gene: RET (ret proto-oncogene; plus strand). Cytogenetic location: 10q11.21.
Variant type: single nucleotide variant.
Coding change: c.*388G>A on transcript NM_020975.6 (MANE Select); 388 bases downstream of the stop codon, G replaced by A.
Molecular consequence: 3 prime UTR variant.
Genome position (GRCh38, 1-based): chr10:43,128,657, G>A. VCF-style: chr10-43128657-G-A. GRCh37 (hg19) VCF-style: chr10-43624105-G-A.
Other names: c.*388G>A (LRG_518t1).
Identifiers: ClinVar variation 299908 (VCV000299908.7), dbSNP rs3026782, ClinGen allele CA10635343.
Genomic context (GRCh38, chr10:43,128,657, plus strand): 5'-CCAACACTTACTACCTGGTGTATGAAATTGGACCTGAACTGTTGGATTTTTCTAGTTGCC[G>A]CCAAACAAGGCAAAAAAATTTAAACATGAAGCACACACACAAAAAAGGCAGTAGGAAAAA-3'